The following is an entry in ClinVar:

ClinVar aggregate classification (germline): drug response. Review status: reviewed by expert panel (3 of 4 stars). 14 submissions from 12 submitters: drug response (1). 13 of the submissions do not count toward it. Last evaluated 2021-03-24.

Conditions:
CFTR-related disorder (CFTR-RD). Also called: CFTR-related condition; CFTR-related disorders. Identifiers: MedGen C5924204, MONDO:7770004.
Cystic fibrosis (CF). Also called: MUCOVISCIDOSIS. Identifiers: Orphanet 586, MedGen C0010674, MONDO:0009061, OMIM 219700. Disease mechanism: loss of function.
Congenital bilateral aplasia of vas deferens from CFTR mutation (CBAVD). Identifiers: Orphanet 48, MedGen C0403814, MONDO:0010178, OMIM 277180. Disease mechanism: loss of function.
Bronchiectasis with or without elevated sweat chloride 1 (BESC1). Also called: Cystic Fibrosis-Like Syndrome. Identifiers: Orphanet 60033, MedGen C2749757, MONDO:0008887, OMIM 211400.
Hereditary pancreatitis (PCTT). Also called: PRSS1-Related Hereditary Pancreatitis; Hereditary chronic pancreatitis. Identifiers: Orphanet 676, MedGen C0238339, MONDO:0008185, OMIM 167800.
ivacaftor response - Efficacy. Identifiers: MedGen CN322735.

Allele frequency attached by ClinVar (database versions not stated): TOPMed below 0.00001; gnomAD 0.00001; ESP Exome Variant Server 0.00008.
gnomAD v4.1: 9 of 1,587,422 alleles (0.00057%); highest among the groups gnomAD compares: Non-Finnish European, 0.00061%; no homozygotes.

Submissions 1 to 8 of 14:

ClinPGx
Classification: drug response for ivacaftor response - Efficacy. Last evaluated: 2021-03-24. Review status: reviewed by expert panel. Criteria: Pharmacogenomics knowledge for personalized medicine. Collection method: curation. Allele origin: germline. Affected: yes.
Comment: PharmGKB Level of Evidence 1A: Level 1A clinical annotations describe variant-drug combinations that have variant-specific prescribing guidance available in a current clinical guideline annotation or an FDA-approved drug label annotation. Annotations of drug labels or clinical guidelines must give prescribing guidance for specific variants (e.g. CYP2C9*3, HLA-B*57:01) or provide mapping from defined allele functions to diplotypes and phenotypes to be used as supporting evidence for a level 1A clinical annotation. Level 1A clinical annotations must also be supported by at least one publication in addition to a clinical guideline or drug label with variant-specific prescribing guidance.

Drug is not necessarily used to treat response condition

Ambry Genetics
Classification: Pathogenic for Cystic fibrosis. Last evaluated: 2026-05-26. Review status: criteria provided, single submitter. Criteria: Ambry Variant Classification Scheme 2023. Collection method: clinical testing. Allele origin: germline. Not counted in ClinVar's aggregate classification.
Comment: The p.S977F pathogenic mutation (also known as c.2930C>T), located in coding exon 18 of the CFTR gene, results from a C to T substitution at nucleotide position 2930. The serine at codon 977 is replaced by phenylalanine, an amino acid with highly dissimilar properties. This variant has been identified in the homozygous state and/or in conjunction with other CFTR variant(s) in individual(s) who met clinical criteria for cystic fibrosis (Sorio C et al. J. Cyst. Fibros., 2013 Dec;12:821-5; Claustres M et al. Hum. Mutat., 2017 10;38:1297-1315). This variant has been reported in multiple individuals with an elevated sweat chloride level in The Clinical and Functional TRanslation of CFTR (CFTR2) database (available at CFTR2. Accessed 05/26/2026). In an assay testing CFTR function, this variant showed a functionally abnormal result (Bihler H et al. J Cyst Fibros, 2024 Jul;23:664-675). This amino acid position is well conserved in available vertebrate species. In addition, this alteration is predicted to be deleterious by in silico analysis. Based on the supporting evidence, this variant is interpreted as a disease-causing mutation.

Natera, Inc.
Classification: Pathogenic for CFTR-related disorders. Last evaluated: 2025-11-24. Review status: criteria provided, single submitter. Criteria: Natera Variant Classification Schema (03/2026). Collection method: clinical testing. Allele origin: germline. Not counted in ClinVar's aggregate classification.
Comment: The c.2930C>T variant in CFTR is a missense variant predicted to cause substitution of serine to phenylalanine at amino acid 977. This variant is rare in the general population with a frequency below the threshold expected for the associated phenotype(s). This variant has been observed in one or more individuals affected with the associated recessive disease, as either homozygous or compound heterozygous with a second variant (PMID: 20538955, 23361109, 25910067, 33020115). Functional studies show that this variant may disrupt protein function (PMID: 38388235). Computational prediction algorithms indicate this variant is likely to affect gene or protein function. Given the available evidence, this variant is classified as Pathogenic.

Labcorp Genetics (formerly Invitae), Labcorp
Classification: Pathogenic for Cystic fibrosis. Last evaluated: 2025-03-04. Review status: criteria provided, single submitter. Criteria: Invitae Variant Classification Sherloc (09022015). Collection method: clinical testing. Allele origin: germline. Not counted in ClinVar's aggregate classification.
Comment: This sequence change replaces serine, which is neutral and polar, with phenylalanine, which is neutral and non-polar, at codon 977 of the CFTR protein (p.Ser977Phe). This variant is present in population databases (rs141033578, gnomAD 0.01%). This missense change has been observed in individual(s) with cystic fibrosis (PMID: 19318346, 23361109). In at least one individual the data is consistent with being in trans (on the opposite chromosome) from a pathogenic variant. ClinVar contains an entry for this variant (Variation ID: 53601). Invitae Evidence Modeling of protein sequence and biophysical properties (such as structural, functional, and spatial information, amino acid conservation, physicochemical variation, residue mobility, and thermodynamic stability) indicates that this missense variant is expected to disrupt CFTR protein function with a positive predictive value of 80%. Experimental studies have shown that this missense change affects CFTR function (PMID: 23891399). For these reasons, this variant has been classified as Pathogenic.

Fulgent Genetics
Classification: Likely pathogenic for Hereditary pancreatitis; Bronchiectasis with or without elevated sweat chloride 1; Cystic fibrosis; Congenital bilateral aplasia of vas deferens from CFTR mutation. Last evaluated: 2024-03-26. Review status: criteria provided, single submitter. Criteria: ACMG Guidelines, 2015. Collection method: clinical testing. Allele origin: germline. Not counted in ClinVar's aggregate classification.

Baylor Genetics
Classification: Pathogenic for Bronchiectasis with or without elevated sweat chloride 1. Last evaluated: 2024-03-16. Review status: criteria provided, single submitter. Criteria: ACMG Guidelines, 2015. Collection method: clinical testing. Allele origin: unknown. Not counted in ClinVar's aggregate classification.

Women's Health and Genetics/Laboratory Corporation of America, LabCorp
Classification: Pathogenic for Cystic fibrosis. Last evaluated: 2023-08-24. Review status: criteria provided, single submitter. Criteria: LabCorp Variant Classification Summary - May 2015. Collection method: clinical testing. Allele origin: germline. Not counted in ClinVar's aggregate classification.
Comment: Variant summary: CFTR c.2930C>T (p.Ser977Phe) results in a non-conservative amino acid change located in the ABC transporter type 1, transmembrane domain (IPR011527) of the encoded protein sequence. Five of five in-silico tools predict a damaging effect of the variant on protein function. The variant allele was found at a frequency of 1.2e-05 in 251218 control chromosomes (gnomAD). The available data on variant occurrences in the general population are insufficient to allow any conclusion about variant significance. c.2930C>T has been reported in the literature as a variant of varying clinical consequence due to reports of its presence in individuals affected with Non-classic Cystic Fibrosis, CBAVD, ICP, and classic CF (example, Bareil_2007, Claustres_2000, Goubau_2009, Lakeman_2008, Loumi_2008, Ratbi_2007, Scotet_2003, Sermet-Gaudelus_2010, Sofia_2016, Sorio_2013, Sosnay_2013, Terlizzi_2016, Tzetis_2001, Sasaki_2020, Sawicki_2022). At least five of these patients were found to also harbor the F508del variant (e.g., Sermet-Gaudelus_2010, Sawicki_2022). Additionally, in some of these reports the variant was reported in cis with the 5T allele (example, Bareil_2007, Sorio_2013, Terlizzi_2016). These data indicate that the variant is very likely to be associated with disease. Several publications report experimental evidence finding that the variant results in a defect in protein function (e.g., Van Goor_2014, Bihler_2023 (no PMID)). The most pronounced variant effect results in decreased chloride ion transport (5.5% of wild-type) and decreased CFTR maturation (37% of wild-type) in a Fischer rat thyroid (FRT) cell system (Van Goor_2014). The following publications have been ascertained in the context of this evaluation (PMID: 17975025, 10923036, 26014425, 19318346, 18373402, 17572159, 25910067, 32934006, 25735457, 17329263, 12815607, 20538955, 27264265, 23361109, 23974870, 27738188, 11354633, 23891399, 32483343, 36319933). Six submitters have reported clinical-significance assessments for this variant to ClinVar after 2014. All submitters classified the variant as pathogenic (n = 4) or likely pathogenic (n = 2). Based on the evidence outlined above, the variant was classified as pathogenic.

Mendelics
Classification: Pathogenic for Hereditary pancreatitis. Last evaluated: 2022-05-04. Review status: criteria provided, single submitter. Criteria: Mendelics Assertion Criteria 2019. Collection method: clinical testing. Allele origin: germline. Not counted in ClinVar's aggregate classification.

NM_000492.4(CFTR):c.2930C>T (p.Ser977Phe)

Genes: CFTR (CF transmembrane conductance regulator; plus strand), CFTR-AS2 (CFTR antisense RNA 2; minus strand). Cytogenetic location: 7q31.2.
Variant type: single nucleotide variant.
Coding change: c.2930C>T on transcript NM_000492.4 (MANE Select); coding-DNA position 2930, C replaced by T.
Protein change: p.Ser977Phe; replaces serine 977 with phenylalanine.
Molecular consequence: missense variant.
Genome position (GRCh38, 1-based): chr7:117,606,695, C>T. VCF-style: chr7-117606695-C-T. GRCh37 (hg19) VCF-style: chr7-117246749-C-T.
Other names: short protein forms S977F.
Identifiers: ClinVar variation 53601 (VCV000053601.31), dbSNP rs141033578, ClinGen allele CA326975.